The following is an entry in ClinVar:

ClinVar aggregate classification (germline): Conflicting classifications of pathogenicity. Review status: criteria provided, conflicting classifications (1 of 4 stars). 2 submissions from 2 submitters: Uncertain significance (1); Likely benign (1). Last evaluated 2024-06-11.

gnomAD v4.1: 20 of 1,586,602 alleles (0.0013%); highest among the groups gnomAD compares: Middle Eastern, 0.017%; no homozygotes.

Submissions (2):

Women's Health and Genetics/Laboratory Corporation of America, LabCorp
Classification: Uncertain significance. Last evaluated: 2024-06-11. Review status: criteria provided, single submitter. Criteria: LabCorp Variant Classification Summary - May 2015. Collection method: clinical testing. Allele origin: germline.
Comment: Variant summary: KCNA2 c.*15C>T is located in the untranslated mRNA region downstream of the termination codon. The variant allele was found at a frequency of 1.8e-05 in 228392 control chromosomes. The available data on variant occurrences in the general population are insufficient to allow any conclusion about variant significance. To our knowledge, no occurrence of c.*15C>T in individuals affected with Developmental And Epileptic Encephalopathy, 32 and no experimental evidence demonstrating its impact on protein function have been reported. No submitters have cited clinical-significance assessments for this variant to ClinVar. Based on the evidence outlined above, the variant was classified as uncertain significance.

Blueprint Genetics
Classification: Likely benign. Last evaluated: 2023-12-22. Review status: criteria provided, single submitter. Criteria: ACMG Guidelines, 2015. Collection method: clinical testing. Allele origin: germline.

NM_004974.4(KCNA2):c.*15C>T

Gene: KCNA2 (potassium voltage-gated channel subfamily A member 2; minus strand). Cytogenetic location: 1p13.3.
Variant type: single nucleotide variant.
Coding change: c.*15C>T on transcript NM_004974.4 (MANE Select); 15 bases downstream of the stop codon, C replaced by T.
Molecular consequence: 3 prime UTR variant. On other transcripts: intron variant (1).
Genome position (GRCh38, 1-based): chr1:110,603,268, G>A on the plus strand (C>T on the coding strand, the complement: KCNA2 is on the minus strand). VCF-style: chr1-110603268-G-A. GRCh37 (hg19) VCF-style: chr1-111145890-G-A.
Other names: c.894+621C>T (NM_001204269.2).
Identifiers: ClinVar variation 3339611 (VCV003339611.2).